The following is an entry in ClinVar:

NM_032608.7(MYO18B):c.1136G>A (p.Arg379Gln)

Gene: MYO18B (myosin XVIIIB; plus strand). Cytogenetic location: 22q12.1.
Variant type: single nucleotide variant.
Coding change: c.1136G>A on transcript NM_032608.7 (MANE Select); coding-DNA position 1136, G replaced by A.
Protein change: p.Arg379Gln; replaces arginine 379 with glutamine.
Molecular consequence: missense variant.
Genome position (GRCh38, 1-based): chr22:25,769,052, G>A. VCF-style: chr22-25769052-G-A. GRCh37 (hg19) VCF-style: chr22-26165019-G-A.
Other names: c.1136G>A, p.Arg379Gln (NM_001318245.2); short protein forms R379Q.
Identifiers: ClinVar variation 376987 (VCV000376987.8), dbSNP rs750078923, ClinGen allele CA10159762.
Genomic context (GRCh38, chr22:25,769,052, plus strand): 5'-GCCAAGTGCAGGGCGAGTTGGGGGACGATCTGAGAATGGGGGAGAAAGCAGGTGAGCTTC[G>A]GAGCACGACTGGGAAGGCAGGTGAGTCCTGGGATAAGAAGGAAAAGATGGGGCAACCCCA-3'
Protein context (NP_115997.5, residues 369-389): LRMGEKAGEL[Arg379Gln]STTGKAGESW

ClinVar aggregate classification (germline): Uncertain significance. Review status: criteria provided, multiple submitters, no conflicts (2 of 4 stars). 2 submissions from 2 submitters: Uncertain significance (2). Last evaluated 2022-10-30.

Allele frequency attached by ClinVar (database versions not stated): ExAC 0.00001; gnomAD exomes 0.00001 and 0.00002; TOPMed 0.00004.
gnomAD v4.1: 27 of 1,612,018 alleles (0.0017%); highest among the groups gnomAD compares: African/African-American, 0.0053%; no homozygotes.

Submissions (2):

Labcorp Genetics (formerly Invitae), Labcorp
Classification: Uncertain significance. Last evaluated: 2022-10-30. Review status: criteria provided, single submitter. Criteria: Invitae Variant Classification Sherloc (09022015). Collection method: clinical testing. Allele origin: germline.
Comment: This sequence change replaces arginine, which is basic and polar, with glutamine, which is neutral and polar, at codon 379 of the MYO18B protein (p.Arg379Gln). This variant is present in population databases (rs750078923, gnomAD 0.004%). This variant has not been reported in the literature in individuals affected with MYO18B-related conditions. ClinVar contains an entry for this variant (Variation ID: 376987). Algorithms developed to predict the effect of missense changes on protein structure and function output the following: SIFT: "Not Available"; PolyPhen-2: "Benign"; Align-GVGD: "Not Available". The glutamine amino acid residue is found in multiple mammalian species, which suggests that this missense change does not adversely affect protein function. In summary, the available evidence is currently insufficient to determine the role of this variant in disease. Therefore, it has been classified as a Variant of Uncertain Significance.

Center for Pediatric Genomic Medicine, Children's Mercy Hospital and Clinics
Classification: Uncertain significance. Last evaluated: 2016-09-08. Review status: criteria provided, single submitter. Criteria: ACMG Guidelines, 2015. Collection method: clinical testing. Allele origin: germline.
ClinVar note: Converted during submission from Uncertain Significance to Uncertain significance.